The following is an entry in ClinVar:

ClinVar aggregate classification (germline): Uncertain significance. Review status: criteria provided, multiple submitters, no conflicts (2 of 4 stars). 8 submissions from 8 submitters: Uncertain significance (6). 2 of the submissions do not count toward it. Last evaluated 2025-12-10.

Conditions:
Alstrom syndrome (ALMS). Identifiers: Orphanet 64, MedGen C0268425, MONDO:0008763, OMIM 203800.
ALMS1-related disorder. Also called: ALMS1-related condition.

Allele frequency attached by ClinVar (database versions not stated): gnomAD 0.00001; TOPMed 0.00001.
gnomAD v4.1: 12 of 1,614,012 alleles (0.00074%); highest among the groups gnomAD compares: Middle Eastern, 0.033%; no homozygotes.

Submissions (8):

Labcorp Genetics (formerly Invitae), Labcorp
Classification: Uncertain significance for Alstrom syndrome. Last evaluated: 2025-12-10. Review status: criteria provided, single submitter. Criteria: Invitae Variant Classification Sherloc (09022015). Collection method: clinical testing. Allele origin: germline.
Comment: This sequence change replaces lysine, which is basic and polar, with arginine, which is basic and polar, at codon 2025 of the ALMS1 protein (p.Lys2025Arg). This variant is not present in population databases (gnomAD no frequency). This variant has not been reported in the literature in individuals affected with ALMS1-related conditions. ClinVar contains an entry for this variant (Variation ID: 550247). Experimental studies and prediction algorithms are not available or were not evaluated, and the functional significance of this variant is currently unknown. In summary, the available evidence is currently insufficient to determine the role of this variant in disease. Therefore, it has been classified as a Variant of Uncertain Significance.

CeGaT Center for Human Genetics Tuebingen
Classification: Uncertain significance. Last evaluated: 2024-12-01. Review status: criteria provided, single submitter. Criteria: CeGaT Center For Human Genetics Tuebingen Variant Classification Criteria Version 2. Collection method: clinical testing. Allele origin: germline. Affected: yes. Observed: 1 variant allele.
Comment: ALMS1: PM2, BP4

PreventionGenetics, part of Exact Sciences
Classification: Uncertain significance for ALMS1-related condition. Last evaluated: 2023-03-06. Review status: criteria provided, single submitter. Criteria: ACMG Guidelines, 2015. Collection method: clinical testing. Allele origin: germline.
Comment: The ALMS1 c.6074A>G variant is predicted to result in the amino acid substitution p.Lys2025Arg. To our knowledge, this variant has not been reported in the literature. This variant is reported in 0.0051% of alleles in individuals of East Asian descent in gnomAD. At this time, the clinical significance of this variant is uncertain due to the absence of conclusive functional and genetic evidence.

Fulgent Genetics
Classification: Uncertain significance for Alstrom syndrome. Last evaluated: 2021-11-24. Review status: criteria provided, single submitter. Criteria: ACMG Guidelines, 2015. Collection method: clinical testing. Allele origin: unknown.

Blueprint Genetics
Classification: Uncertain significance. Last evaluated: 2021-11-11. Review status: criteria provided, single submitter. Criteria: ACMG Guidelines, 2015. Collection method: clinical testing. Allele origin: germline.

Laboratory for Molecular Medicine, Mass General Brigham Personalized Medicine
Classification: Uncertain significance. Last evaluated: 2020-08-13. Review status: criteria provided, single submitter. Criteria: LMM Criteria. Collection method: clinical testing. Allele origin: germline. Observed: 1 variant allele.
Comment: The p.Lys2025Arg variant in the ALMS1 gene has not been previously reported in individuals with hearing loss or Alstrom syndrome and was absent from large population studies. This variant has been reported in ClinVar (Variation ID 550247). Computational prediction tools and conservation analysis suggest that this variant may not impact the protein, though this information is not predictive enough to rule out pathogenicity. In summary, the clinical significance of this variant is uncertain. ACMG/AMP Criteria applied: PM2, PP3.

Natera, Inc.
Classification: Uncertain significance for Alstrom syndrome. Last evaluated: 2021-03-29. Review status: no assertion criteria provided. Collection method: clinical testing. Allele origin: germline. Not counted in ClinVar's aggregate classification.

Counsyl
Classification: Uncertain significance for Alstrom syndrome. Last evaluated: 2016-12-23. Review status: no assertion criteria provided. Collection method: clinical testing. Allele origin: unknown. Not counted in ClinVar's aggregate classification.

NM_001378454.1(ALMS1):c.6071A>G (p.Lys2024Arg)

Gene: ALMS1 (ALMS1 centrosome and basal body associated protein; plus strand). Cytogenetic location: 2p13.1.
Variant type: single nucleotide variant.
Coding change: c.6071A>G on transcript NM_001378454.1 (MANE Select); coding-DNA position 6071, A replaced by G.
Protein change: p.Lys2024Arg; replaces lysine 2024 with arginine.
Molecular consequence: missense variant.
Genome position (GRCh38, 1-based): chr2:73,452,598, A>G. VCF-style: chr2-73452598-A-G. GRCh37 (hg19) VCF-style: chr2-73679725-A-G.
Other names: c.6074A>G, p.Lys2025Arg (NM_015120.4); short protein forms K2025R, K2024R.
Identifiers: ClinVar variation 550247 (VCV000550247.30), dbSNP rs369339997, ClinGen allele CA50397418.